The following is an entry in ClinVar:

NM_000492.4(CFTR):c.869+464G>A

Gene: CFTR (CF transmembrane conductance regulator; plus strand). Cytogenetic location: 7q31.2.
Variant type: single nucleotide variant.
Coding change: c.869+464G>A on transcript NM_000492.4 (MANE Select); 464 bases into the intron after coding-DNA position 869, G replaced by A.
Molecular consequence: intron variant.
Genome position (GRCh38, 1-based): chr7:117,537,137, G>A. VCF-style: chr7-117537137-G-A. GRCh37 (hg19) VCF-style: chr7-117177191-G-A.
Identifiers: ClinVar variation 4279999 (VCV004279999.1).
Genomic context (GRCh38, chr7:117,537,137, plus strand): 5'-GGTATATTAAACATGAAAAAAATTGTATTTGGTTAGAATATGTTTGCTCTTCCTTAACTC[G>A]GGAATGACATAGGGTAATATTCACAGATTGGGTTCCTATAAATCCTCCACTTGAAGTGAA-3'

ClinVar aggregate classification (germline): Uncertain significance (1 of 4 stars; one submission).

Conditions:
Cystic fibrosis (CF). Also called: MUCOVISCIDOSIS. Identifiers: Orphanet 586, MedGen C0010674, MONDO:0009061, OMIM 219700. Disease mechanism: loss of function.

gnomAD v4.1: 76 of 152,012 alleles (0.05%); highest among the groups gnomAD compares: Non-Finnish European, 0.094%; 1 homozygote.

Submission:

Johns Hopkins Genomics, Johns Hopkins University
Classification: Uncertain significance for Cystic fibrosis. Last evaluated: 2024-05-08. Review status: criteria provided, single submitter. Criteria: ACMG Guidelines, 2015. Collection method: clinical testing. Allele origin: germline.
Comment: This intronic CFTR variant (rs753195924) is rare (<0.1%) in a large population dataset (gnomADv4.1.0: 76/152012 total alleles; 0.05%; one homozygote) and has not been reported in ClinVar nor the literature, to our knowledge. Three bioinformatics tools predict that this variant may create a cryptic splice acceptor site and lead to missplicing of CFTR, although this has not been assessed experimentally to our knowledge. We consider the clinical significance of CFTR c.869+464G>A to be uncertain at this time.